The following is an entry in ClinVar:

NM_001908.5(CTSB):c.218T>C (p.Met73Thr)

Gene: CTSB (cathepsin B). Cytogenetic location: 8p23.1.
Variant type: single nucleotide variant.
Coding change: c.218T>C on transcript NM_001908.5 (MANE Select); coding-DNA position 218, T replaced by C.
Protein change: p.Met73Thr; replaces methionine 73 with threonine.
Molecular consequence: missense variant. On other transcripts: 5 prime UTR variant (1).
Genome position (GRCh38, 1-based): chr8:11,850,975, A>G on the plus strand (T>C on the coding strand, the complement: CTSB is on the minus strand). VCF-style: chr8-11850975-A-G. GRCh37 (hg19) VCF-style: chr8-11708484-A-G.
Other names: c.-36T>C (NM_001317237.2); c.218T>C, p.Met73Thr (NM_001384714.1, NM_001384723.1, NM_001384724.1 and 8 more transcripts); c.218T>C (NM_001908.3); short protein forms M73T.
Identifiers: ClinVar variation 1485054 (VCV001485054.7), dbSNP rs540266331, ClinGen allele CA4633069.

ClinVar aggregate classification (germline): Uncertain significance. Review status: criteria provided, multiple submitters, no conflicts (2 of 4 stars). 2 submissions from 2 submitters: Uncertain significance (2). Last evaluated 2025-04-12.

gnomAD v4.1: 53 of 1,610,064 alleles (0.0033%); highest among the groups gnomAD compares: African/African-American, 0.027%; no homozygotes.

Submissions (2):

Ambry Genetics
Classification: Uncertain significance. Last evaluated: 2025-04-12. Review status: criteria provided, single submitter. Criteria: Ambry Variant Classification Scheme 2023. Collection method: clinical testing. Allele origin: germline.

Labcorp Genetics (formerly Invitae), Labcorp
Classification: Uncertain significance. Last evaluated: 2022-07-25. Review status: criteria provided, single submitter. Criteria: Invitae Variant Classification Sherloc (09022015). Collection method: clinical testing. Allele origin: germline.
Comment: This variant has not been reported in the literature in individuals affected with CTSB-related conditions. In summary, the available evidence is currently insufficient to determine the role of this variant in disease. Therefore, it has been classified as a Variant of Uncertain Significance. Algorithms developed to predict the effect of missense changes on protein structure and function are either unavailable or do not agree on the potential impact of this missense change (SIFT: "Not Available"; PolyPhen-2: "Benign"; Align-GVGD: "Not Available"). ClinVar contains an entry for this variant (Variation ID: 1485054). This variant is present in population databases (rs540266331, gnomAD 0.03%). This sequence change replaces methionine, which is neutral and non-polar, with threonine, which is neutral and polar, at codon 73 of the CTSB protein (p.Met73Thr).